The following is an entry in ClinVar:

ClinVar aggregate classification (germline): Conflicting classifications of pathogenicity. Review status: criteria provided, conflicting classifications (1 of 4 stars). 6 submissions from 6 submitters: Uncertain significance (3); Likely benign (3). Last evaluated 2025-08-18.

Conditions:
Hereditary breast ovarian cancer syndrome. Also called: Breast and ovarian cancer; Hereditary breast and/or ovarian cancer syndrome; BRCA1- and BRCA2-Associated Hereditary Breast and Ovarian Cancer; Hereditary breast and ovarian cancer syndrome; Hereditary breast and ovarian cancer syndrome (HBOC); Hereditary breast and ovarian cancer. Identifiers: Orphanet 145, MedGen C0677776, MeSH D061325, MONDO:0003582. Disease mechanism: loss of function.
Breast-ovarian cancer, familial, susceptibility to, 1 (BROVCA1). Also called: BRCA1 Hereditary Breast and Ovarian Cancer; OVARIAN CANCER, SUSCEPTIBILITY TO. Identifiers: Orphanet 145, MedGen C2676676, MONDO:0011450, OMIM 604370. Disease mechanism: loss of function.
Hereditary cancer-predisposing syndrome. Also called: Tumor predisposition; Hereditary Cancer Syndrome; Hereditary neoplastic syndrome; Neoplastic Syndromes, Hereditary. Identifiers: Orphanet 140162, MedGen C0027672, MeSH D009386, MONDO:0015356.

Allele frequency attached by ClinVar (database versions not stated): gnomAD exomes below 0.00001; ExAC 0.00001; gnomAD 0.00001; TOPMed 0.00002.
gnomAD v4.1: 3 of 1,613,844 alleles (0.00019%); highest among the groups gnomAD compares: African/African-American, 0.004%; no homozygotes.

Submissions (7):

Labcorp Genetics (formerly Invitae), Labcorp
Classification: Uncertain significance for Hereditary breast ovarian cancer syndrome. Last evaluated: 2025-08-18. Review status: criteria provided, single submitter. Criteria: Invitae Variant Classification Sherloc (09022015). Collection method: clinical testing. Allele origin: germline.
Comment: This sequence change replaces glutamine, which is neutral and polar, with histidine, which is basic and polar, at codon 1846 of the BRCA1 protein (p.Gln1846His). This variant is present in population databases (rs80356849, gnomAD 0.007%). This variant has not been reported in the literature in individuals affected with BRCA1-related conditions. ClinVar contains an entry for this variant (Variation ID: 482930). Invitae Evidence Modeling incorporating data from in vitro experimental studies (PMID: 30209399) indicates that this missense variant is not expected to disrupt BRCA1 function with a negative predictive value of 95%. Experimental studies have shown that this missense change does not substantially affect BRCA1 function (PMID: 30209399). In summary, the available evidence is currently insufficient to determine the role of this variant in disease. Therefore, it has been classified as a Variant of Uncertain Significance.

Myriad Genetics, Inc.
Classification: Likely benign for Breast-ovarian cancer, familial, susceptibility to, 1. Last evaluated: 2024-12-30. Review status: criteria provided, single submitter. Criteria: Myriad Autosomal Dominant, Autosomal Recessive and X-Linked Classification Criteria (2023). Collection method: clinical testing. Allele origin: unknown.
Comment: This variant is considered likely benign. This variant is strongly associated with less severe personal and family histories of cancer, typical for individuals without pathogenic variants in this gene [PMID: 25085752].

Lupski Lab, Baylor-Hopkins CMG, Baylor College of Medicine
Classification: Likely benign for Breast-ovarian cancer, familial, susceptibility to, 1. Last evaluated: 2024-04-12. Review status: criteria provided, single submitter. Criteria: Dawood et al. (medRxiv. 2024). Collection method: curation. Allele origin: germline.
Comment: Each variant was annotated with functional scores from MAVE data which was translated into functional evidence codes. All other evidence codes and combining criteria were adhered to as closely as possible based on the ClinGen VCEP (Variant Curation Expert Panel) gene-specific recommendations. See Supplemental Figure 34 of final paper (Supp Fig. 28 in preprint: doi:10.1101/2024.04.11.24305690) for a table to see which lines of evidence we did not have data for. The ClinGen VCEPs are highly regarded as the gold-standard for gene-specific variant curation and are developed after extensive evaluation of the evidence by clinical and scientific experts for the particular gene to classify genomic variants on a spectrum from pathogenic to benign using the 2015 ACMG/AMP Variant Interpretation Guidelines as a backbone (PMID: 25741868). Reclassification of these VUS variants from gnomAD or All of Us focused only on variants originally prescribed as VUS in ClinVar. To ensure reproducibility, transparency, and increased throughput, all the procedures for annotating variants and assigning evidence codes were codified using Python. All code has been made freely available and is linked in the Code Availability section and all reclassified variants with evidence codes used can be found in Tables S18-19 (preprint: doi:10.1101/2024.04.11.24305690). For the MAVE data, the clinical curation and clinical strength assignment as per the ClinGen recommendations in Brnich et al. (2020) (PMID: 31892348) for or against pathogenicity or benignity of each of these MAVE datasets utilized in this study were previously published in Fayer et al. (2021) (PMID: 34793697).In brief, for BRCA1 variants, if a variant was categorized as FUNC (functional), it was assigned BS3 evidence and no PS3 evidence, whereas if it was categorized as LOF (loss of function), the variant was assigned PS3 evidence and no BS3 evidence. Variants categorized as INT (intermediate) were left unannotated. For the BRCA1 combining criteria, greater than or equal to 1 criteria of strong benign evidence was enough to reclassify the VUS as Likely Benign. This variant GRCh38:17:43045732:C>G was assigned evidence codes ['BS3', 'BP4'] and an overall classification of Likely benign

Baylor Genetics
Classification: Uncertain significance for Breast-ovarian cancer, familial, susceptibility to, 1. Last evaluated: 2024-01-19. Review status: criteria provided, single submitter. Criteria: ACMG Guidelines, 2015. Collection method: clinical testing. Allele origin: unknown.

Ambry Genetics
Classification: Likely benign for Hereditary cancer-predisposing syndrome. Last evaluated: 2022-01-14. Review status: criteria provided, single submitter. Criteria: Ambry Variant Classification Scheme 2023. Collection method: clinical testing. Allele origin: germline.

Color Diagnostics, LLC DBA Color Health
Classification: Uncertain significance for Hereditary cancer-predisposing syndrome. Last evaluated: 2019-01-18. Review status: criteria provided, single submitter. Criteria: ACMG Guidelines, 2015. Collection method: clinical testing. Allele origin: germline.

Brotman Baty Institute, University of Washington
No classification provided (evidence only). Condition: Breast-ovarian cancer, familial 1. Review status: no classification provided. Collection method: in vitro. Allele origin: not applicable. Functional consequence: functionally_normal. Not counted in ClinVar's aggregate classification.
ClinVar note: "not provided" was previously submitted as the classification for the variant. However, the classification appeared to be based only on an observation of functional data so it was converted to no classification on 2025-07-30.

Literature cited by the submitters: PubMed 30209399 (cited by Labcorp Genetics (formerly Invitae), Labcorp and Ambry Genetics); PubMed 25085752 (cited by Myriad Genetics, Inc.); PubMed 39142283 (cited by Lupski Lab, Baylor-Hopkins CMG, Baylor College of Medicine); PubMed 34793697 (cited by Lupski Lab, Baylor-Hopkins CMG, Baylor College of Medicine); DOI 10.1101/2024.04.11.24305690 (cited by Lupski Lab, Baylor-Hopkins CMG, Baylor College of Medicine).

NM_007294.4(BRCA1):c.5538G>C (p.Gln1846His)

Gene: BRCA1 (BRCA1 DNA repair associated; minus strand). Cytogenetic location: 17q21.31.
Variant type: single nucleotide variant.
Coding change: c.5538G>C on transcript NM_007294.4 (MANE Select); coding-DNA position 5538, G replaced by C.
Protein change: p.Gln1846His; replaces glutamine 1846 with histidine.
Molecular consequence: missense variant. On other transcripts: 3 prime UTR variant (1), non-coding transcript variant (1).
Genome position (GRCh38, 1-based): chr17:43,045,732, C>G on the plus strand (G>C on the coding strand, the complement: BRCA1 is on the minus strand). VCF-style: chr17-43045732-C-G. GRCh37 (hg19) VCF-style: chr17-41197749-C-G.
Other names: c.*52G>C (NM_001407944.1, NM_001407945.1, NM_001408472.1 and 14 more transcripts); c.5205G>C, p.Gln1735His (NM_001407946.1, NM_001407947.1, NM_001407948.1 and 1 more transcripts); c.5154G>C, p.Gln1718His (NM_001407960.1, NM_001407962.1); c.5151G>C, p.Gln1717His (NM_001407963.1); c.5076G>C, p.Gln1692His (NM_001407964.1); c.5031G>C, p.Gln1677His (NM_001407965.1); c.4650G>C, p.Gln1550His (NM_001407966.1); c.4647G>C, p.Gln1549His (NM_001407967.1); and 74 more; short protein forms Q1846H, Q1867H, Q742H, Q1799H, Q1692H, Q1718H, Q1756H, Q1776H.
Identifiers: ClinVar variation 482930 (VCV000482930.22), dbSNP rs80356849, ClinGen allele CA055269.